The following is an entry in ClinVar:

ClinVar aggregate classification (germline): Uncertain significance (1 of 4 stars; one submission).

Conditions:
Neurofibromatosis, type 1 (NF1). Also called: VON RECKLINGHAUSEN DISEASE; NEUROFIBROMATOSIS, TYPE I, SOMATIC; Peripheral type neurofibromatosis; Neurofibromatosis, type I. Identifiers: Orphanet 636, MedGen C0027831, MONDO:0018975, OMIM 162200. Disease mechanism: loss of function.

Submission:

Labcorp Genetics (formerly Invitae), Labcorp
Classification: Uncertain significance for Neurofibromatosis, type 1. Last evaluated: 2018-12-22. Review status: criteria provided, single submitter. Criteria: Invitae Variant Classification Sherloc (09022015). Collection method: clinical testing. Allele origin: germline.
Comment: In summary, the available evidence is currently insufficient to determine the role of this variant in disease. Therefore, it has been classified as a Variant of Uncertain Significance. Algorithms developed to predict the effect of missense changes on protein structure and function are either unavailable or do not agree on the potential impact of this missense change (SIFT: "Deleterious"; PolyPhen-2: "Possibly Damaging"; Align-GVGD: "Class C0"). This variant has not been reported in the literature in individuals with NF1-related conditions. This variant is not present in population databases (ExAC no frequency). This sequence change replaces lysine with asparagine at codon 1283 of the NF1 protein (p.Lys1283Asn). The lysine residue is moderately conserved and there is a moderate physicochemical difference between lysine and asparagine.

NM_001042492.3(NF1):c.3849A>T (p.Lys1283Asn)

Gene: NF1 (neurofibromin 1; plus strand). Cytogenetic location: 17q11.2.
Variant type: single nucleotide variant.
Coding change: c.3849A>T on transcript NM_001042492.3 (MANE Select); coding-DNA position 3849, A replaced by T.
Protein change: p.Lys1283Asn; replaces lysine 1283 with asparagine.
Molecular consequence: missense variant.
Genome position (GRCh38, 1-based): chr17:31,235,751, A>T. VCF-style: chr17-31235751-A-T. GRCh37 (hg19) VCF-style: chr17-29562769-A-T.
Other names: c.3849A>T, p.Lys1283Asn (NM_000267.4); short protein forms K1283N.
Identifiers: ClinVar variation 662638 (VCV000662638.5), dbSNP rs1597722644, ClinGen allele CA398992845.
Genomic context (GRCh38, chr17:31,235,751, plus strand): 5'-AGAAGTAGAATTGGCAGACTCCATGCAGACTCTCTTCCGAGGCAACAGCTTGGCCAGTAA[A>T]ATAATGACATTCTGTTTCAAGGTTTGTATCATTCATTTTGTGTGTATGTGTGTGCTGAGG-3'
Protein context (NP_001035957.1, residues 1273-1293): TLFRGNSLAS[Lys1283Asn]IMTFCFKVYG